The following is an entry in ClinVar:

ClinVar aggregate classification (germline): Uncertain significance (1 of 4 stars; one submission).

Submission:

Dasa
Classification: Uncertain significance. Last evaluated: 2026-05-03. Review status: criteria provided, single submitter. Criteria: DASA Assertion Criteria. Collection method: clinical testing. Allele origin: germline.
Comment: NM_016604.4(KDM3B):c.3598A>G (p.Asn1200Asp) is a missense variant that results in the substitution of asparagine with aspartic acid. This variant is rare in population databases. Computational prediction algorithms are consistent with a benign effect. The currently available literature and clinical evidence are not sufficient to establish a definitive association between this variant and the reported condition. Therefore, this variant is classified as a variant of uncertain significance.

NM_016604.4(KDM3B):c.3598A>G (p.Asn1200Asp)

Gene: KDM3B (lysine demethylase 3B; plus strand). Cytogenetic location: 5q31.2.
Variant type: single nucleotide variant.
Coding change: c.3598A>G on transcript NM_016604.4 (MANE Select); coding-DNA position 3598, A replaced by G.
Protein change: p.Asn1200Asp; replaces asparagine 1200 with aspartic acid.
Molecular consequence: missense variant.
Genome position (GRCh38, 1-based): chr5:138,419,115, A>G. VCF-style: chr5-138419115-A-G. GRCh37 (hg19) VCF-style: chr5-137754804-A-G.
Other names: short protein forms N1200D.
Identifiers: ClinVar variation 5020639 (VCV005020639.1).